The following is an entry in ClinVar:

NM_000453.3(SLC5A5):c.1333G>A (p.Val445Ile)

Gene: SLC5A5 (solute carrier family 5 member 5; plus strand). Cytogenetic location: 19p13.11.
Variant type: single nucleotide variant.
Coding change: c.1333G>A on transcript NM_000453.3 (MANE Select); coding-DNA position 1333, G replaced by A.
Protein change: p.Val445Ile; replaces valine 445 with isoleucine.
Molecular consequence: missense variant.
Genome position (GRCh38, 1-based): chr19:17,883,853, G>A. VCF-style: chr19-17883853-G-A. GRCh37 (hg19) VCF-style: chr19-17994662-G-A.
Other names: c.1066G>A, p.Val356Ile (NM_001440707.1); short protein forms V356I, V445I.
Identifiers: ClinVar variation 4887503 (VCV004887503.1).

ClinVar aggregate classification (germline): Uncertain significance (1 of 4 stars; one submission).

gnomAD v4.1: 11 of 1,596,666 alleles (0.00069%); highest among the groups gnomAD compares: South Asian, 0.01%; no homozygotes.

Submission:

Women's Health and Genetics/Laboratory Corporation of America, LabCorp
Classification: Uncertain significance. Last evaluated: 2026-06-04. Review status: criteria provided, single submitter. Criteria: LabCorp Variant Classification Summary - May 2015. Collection method: clinical testing. Allele origin: germline.
Comment: Variant summary: SLC5A5 c.1333G>A (p.Val445Ile) results in a conservative amino acid change in the encoded protein sequence. Algorithms developed to predict the effect of missense changes on protein structure and function are either unavailable or do not agree on the potential impact of this missense change. The variant allele was found at a frequency of 1.4e-05 in 209558 control chromosomes. The available data on variant occurrences in the general population are insufficient to allow any conclusion about variant significance. To our knowledge, no occurrence of c.1333G>A in individuals affected with SLC5A5-related conditions and no experimental evidence demonstrating its impact on protein function have been reported. No submitters have cited clinical-significance assessments for this variant to ClinVar. Based on the evidence outlined above, the variant was classified as uncertain significance.